The following is an entry in ClinVar:

ClinVar aggregate classification (germline): Uncertain significance. Review status: criteria provided, multiple submitters, no conflicts (2 of 4 stars). 3 submissions from 3 submitters: Uncertain significance (3). Last evaluated 2022-10-13.

Allele frequency attached by ClinVar (database versions not stated): ExAC 0.00001; gnomAD 0.00002; TOPMed 0.00003; gnomAD exomes 0.00004.
gnomAD v4.1: 60 of 1,611,692 alleles (0.0037%); highest among the groups gnomAD compares: Middle Eastern, 0.016%; no homozygotes.

Submissions (3):

Labcorp Genetics (formerly Invitae), Labcorp
Classification: Uncertain significance. Last evaluated: 2022-10-13. Review status: criteria provided, single submitter. Criteria: Invitae Variant Classification Sherloc (09022015). Collection method: clinical testing. Allele origin: germline.
Comment: This sequence change replaces glutamic acid, which is acidic and polar, with lysine, which is basic and polar, at codon 102 of the MPC1 protein (p.Glu102Lys). This variant is present in population databases (rs578002767, gnomAD 0.01%). This variant has not been reported in the literature in individuals affected with MPC1-related conditions. ClinVar contains an entry for this variant (Variation ID: 1419967). Algorithms developed to predict the effect of missense changes on protein structure and function output the following: SIFT: "Tolerated"; PolyPhen-2: "Benign"; Align-GVGD: "Class C0". The lysine amino acid residue is found in multiple mammalian species, which suggests that this missense change does not adversely affect protein function. In summary, the available evidence is currently insufficient to determine the role of this variant in disease. Therefore, it has been classified as a Variant of Uncertain Significance.

Blueprint Genetics
Classification: Uncertain significance. Last evaluated: 2022-03-21. Review status: criteria provided, single submitter. Criteria: ACMG Guidelines, 2015. Collection method: clinical testing. Allele origin: germline.

Ambry Genetics
Classification: Uncertain significance. Last evaluated: 2021-07-20. Review status: criteria provided, single submitter. Criteria: Ambry Variant Classification Scheme 2023. Collection method: clinical testing. Allele origin: germline.

NM_016098.4(MPC1):c.304G>A (p.Glu102Lys)

Gene: MPC1 (mitochondrial pyruvate carrier 1; minus strand). Cytogenetic location: 6q27.
Variant type: single nucleotide variant.
Coding change: c.304G>A on transcript NM_016098.4 (MANE Select); coding-DNA position 304, G replaced by A.
Protein change: p.Glu102Lys; replaces glutamic acid 102 with lysine.
Molecular consequence: missense variant. On other transcripts: 3 prime UTR variant (1), non-coding transcript variant (4).
Genome position (GRCh38, 1-based): chr6:166,365,975, C>T on the plus strand (G>A on the coding strand, the complement: MPC1 is on the minus strand). VCF-style: chr6-166365975-C-T. GRCh37 (hg19) VCF-style: chr6-166779463-C-T.
Other names: c.175G>A, p.Glu59Lys (NM_001270879.2, NM_001376565.1, NM_001376566.1 and 2 more transcripts); c.*41G>A (NM_001376569.1); c.304G>A (NM_016098.2); short protein forms E59K, E102K.
Identifiers: ClinVar variation 1419967 (VCV001419967.7), dbSNP rs578002767, ClinGen allele CA4093611.